The following is an entry in ClinVar:

NM_020297.4(ABCC9):c.2630C>G (p.Thr877Arg)

Gene: ABCC9 (ATP binding cassette subfamily C member 9; minus strand). Cytogenetic location: 12p12.1.
Variant type: single nucleotide variant.
Coding change: c.2630C>G on transcript NM_020297.4 (MANE Select); coding-DNA position 2630, C replaced by G.
Protein change: p.Thr877Arg; replaces threonine 877 with arginine.
Molecular consequence: missense variant.
Genome position (GRCh38, 1-based): chr12:21,852,381, G>C on the plus strand (C>G on the coding strand, the complement: ABCC9 is on the minus strand). VCF-style: chr12-21852381-G-C. GRCh37 (hg19) VCF-style: chr12-22005315-G-C.
Other names: c.2630C>G, p.Thr877Arg (NM_001377273.1, NM_005691.4); c.1763C>G, p.Thr588Arg (NM_001377274.1); short protein forms T588R, T877R.
Identifiers: ClinVar variation 4765360 (VCV004765360.1).

ClinVar aggregate classification (germline): Uncertain significance (1 of 4 stars; one submission).

Conditions:
Dilated cardiomyopathy 1O (CMD1O). Also called: CARDIOMYOPATHY, DILATED, WITH VENTRICULAR TACHYCARDIA. Identifiers: Orphanet 154, MedGen C1837839, MONDO:0012062, OMIM 608569.

gnomAD v4.1: 1 of 1,613,866 alleles (0.000062%); highest among the groups gnomAD compares: Non-Finnish European, 0.000085%; no homozygotes.

Submission:

Labcorp Genetics (formerly Invitae), Labcorp
Classification: Uncertain significance for Dilated cardiomyopathy 1O. Last evaluated: 2025-02-17. Review status: criteria provided, single submitter. Criteria: Invitae Variant Classification Sherloc (09022015). Collection method: clinical testing. Allele origin: germline.
Comment: This sequence change replaces threonine, which is neutral and polar, with arginine, which is basic and polar, at codon 877 of the ABCC9 protein (p.Thr877Arg). This variant is not present in population databases (gnomAD no frequency). This variant has not been reported in the literature in individuals affected with ABCC9-related conditions. Invitae Evidence Modeling of protein sequence and biophysical properties (such as structural, functional, and spatial information, amino acid conservation, physicochemical variation, residue mobility, and thermodynamic stability) indicates that this missense variant is not expected to disrupt ABCC9 protein function with a negative predictive value of 80%. In summary, the available evidence is currently insufficient to determine the role of this variant in disease. Therefore, it has been classified as a Variant of Uncertain Significance.